The following is an entry in ClinVar:

NM_000204.5(CFI):c.1049A>C (p.Asp350Ala)

Gene: CFI (complement factor I; minus strand). Cytogenetic location: 4q25.
Variant type: single nucleotide variant.
Coding change: c.1049A>C on transcript NM_000204.5 (MANE Select); coding-DNA position 1049, A replaced by C.
Protein change: p.Asp350Ala; replaces aspartic acid 350 with alanine.
Molecular consequence: missense variant. On other transcripts: non-coding transcript variant (3).
Genome position (GRCh38, 1-based): chr4:109,749,317, T>G on the plus strand (A>C on the coding strand, the complement: CFI is on the minus strand). VCF-style: chr4-109749317-T-G. GRCh37 (hg19) VCF-style: chr4-110670473-T-G.
Other names: c.1073A>C, p.Asp358Ala (NM_001318057.2, NM_001375278.1); c.1028A>C, p.Asp343Ala (NM_001331035.2, NM_001375280.1, NM_001375282.1); c.1049A>C, p.Asp350Ala (NM_001375279.1, NM_001375281.1); c.992A>C, p.Asp331Ala (NM_001375283.1); c.440A>C, p.Asp147Ala (NM_001375284.1); short protein forms D147A, D331A, D343A, D350A, D358A.
Identifiers: ClinVar variation 3619073 (VCV003619073.2).

ClinVar aggregate classification (germline): Uncertain significance (1 of 4 stars; one submission).

gnomAD v4.1: 1 of 1,613,478 alleles (0.000062%); highest among the groups gnomAD compares: African/African-American, 0.0013%; no homozygotes.

Submission:

Labcorp Genetics (formerly Invitae), Labcorp
Classification: Uncertain significance. Last evaluated: 2025-12-08. Review status: criteria provided, single submitter. Criteria: Invitae Variant Classification Sherloc (09022015). Collection method: clinical testing. Allele origin: germline.
Comment: This sequence change replaces aspartic acid, which is acidic and polar, with alanine, which is neutral and non-polar, at codon 350 of the CFI protein (p.Asp350Ala). This variant is not present in population databases (gnomAD no frequency). This variant has not been reported in the literature in individuals affected with CFI-related conditions. ClinVar contains an entry for this variant (Variation ID: 3619073). Invitae Evidence Modeling of protein sequence and biophysical properties (such as structural, functional, and spatial information, amino acid conservation, physicochemical variation, residue mobility, and thermodynamic stability) indicates that this missense variant is not expected to disrupt CFI protein function with a negative predictive value of 80%. In summary, the available evidence is currently insufficient to determine the role of this variant in disease. Therefore, it has been classified as a Variant of Uncertain Significance.